The following is an entry in ClinVar:

ClinVar aggregate classification (germline): Uncertain significance (1 of 4 stars; one submission).

gnomAD v4.1: 1 of 1,568,118 alleles (0.000064%); highest among the groups gnomAD compares: Non-Finnish European, 0.000087%; no homozygotes.

Submission:

GeneDx
Classification: Uncertain significance. Last evaluated: 2024-04-09. Review status: criteria provided, single submitter. Criteria: GeneDx Variant Classification Process June 2021. Collection method: clinical testing. Allele origin: germline. Affected: yes.
Comment: Not observed at significant frequency in large population cohorts (gnomAD); In silico analysis indicates that this missense variant does not alter protein structure/function; Has not been previously published as pathogenic or benign to our knowledge; In silico analysis suggests this variant may impact gene splicing. In the absence of RNA/functional studies, the actual effect of this sequence change is unknown.

NM_016333.4(SRRM2):c.8249G>T (p.Arg2750Met)

Gene: SRRM2 (serine/arginine repetitive matrix 2; plus strand). Cytogenetic location: 16p13.3.
Variant type: single nucleotide variant.
Coding change: c.8249G>T on transcript NM_016333.4 (MANE Select); coding-DNA position 8249, G replaced by T.
Protein change: p.Arg2750Met; replaces arginine 2750 with methionine.
Molecular consequence: missense variant.
Genome position (GRCh38, 1-based): chr16:2,770,717, G>T. VCF-style: chr16-2770717-G-T. GRCh37 (hg19) VCF-style: chr16-2820718-G-T.
Other names: short protein forms R2750M.
Identifiers: ClinVar variation 3372354 (VCV003372354.1).
Genomic context (GRCh38, chr16:2,770,717, plus strand): 5'-CCAGCCACAAGCGCAGGAGGGAGACACCTAGCCCTCGGCCCATGAGACACCGCTCCTCCA[G>T]GTGCGTGTCCTGGAAGGCTGATGCCCCCTTCCGGGAGCCAGTTGTGGTGGTGGGTGGCGG-3'
Protein context (NP_057417.3, residues 2740-2752): SPRPMRHRSS[Arg2750Met]SP